The following is an entry in ClinVar:

ClinVar aggregate classification (germline): Pathogenic. Review status: criteria provided, multiple submitters, no conflicts (2 of 4 stars). 3 submissions from 3 submitters: Pathogenic (3). Last evaluated 2024-06-05.

Conditions:
Polycystic kidney disease, adult type (PKD1). Also called: POLYCYSTIC KIDNEY DISEASE 1 WITH OR WITHOUT POLYCYSTIC LIVER DISEASE; POLYCYSTIC KIDNEY DISEASE, ADULT, TYPE I; Polycystic Kidney Disease 1, Autosomal Dominant; Polycystic kidney disease 1; Polycystic kidney disease 1, severe; Polycystic Kidney, Autosomal Dominant. Identifiers: MedGen C3149841, MONDO:0008263, OMIM 173900.

Submissions (3):

GeneDx
Classification: Pathogenic. Last evaluated: 2024-06-05. Review status: criteria provided, single submitter. Criteria: GeneDx Variant Classification Process June 2021. Collection method: clinical testing. Allele origin: germline. Affected: yes.
Comment: Nonsense variant predicted to result in protein truncation or nonsense mediated decay in a gene for which loss of function is a known mechanism of disease; Not observed at significant frequency in large population cohorts (gnomAD); This variant is associated with the following publications: (PMID: 33454723)

MVZ Medizinische Genetik Mainz
Classification: Pathogenic for Polycystic kidney disease, adult type. Last evaluated: 2024-04-24. Review status: criteria provided, single submitter. Criteria: UK Practice Guidelines For Variant Classification V4 01 2020. Collection method: clinical testing. Allele origin: germline. Inheritance: Autosomal dominant inheritance. Affected: yes. Observed: 1 variant allele.
Comment: ACMG Criteria: PVS1,PS4_SUP,PM2_SUP,PP4

Cavalleri Lab, Royal College of Surgeons in Ireland
Classification: Pathogenic for Polycystic kidney disease, adult type. Last evaluated: 2020-02-05. Review status: criteria provided, single submitter. Criteria: ACMG Guidelines, 2015. Collection method: research. Allele origin: unknown. Inheritance: Autosomal dominant inheritance. Affected: yes.
Comment: PVS1, PM2, PP4

NM_001009944.3(PKD1):c.1303C>T (p.Gln435Ter)

Gene: PKD1 (polycystin 1, transient receptor potential channel interacting; minus strand). Cytogenetic location: 16p13.3.
Variant type: single nucleotide variant.
Coding change: c.1303C>T on transcript NM_001009944.3 (MANE Select); coding-DNA position 1303, C replaced by T.
Protein change: p.Gln435Ter; replaces glutamine 435 with a stop codon.
Molecular consequence: nonsense.
Genome position (GRCh38, 1-based): chr16:2,117,571, G>A on the plus strand (C>T on the coding strand, the complement: PKD1 is on the minus strand). VCF-style: chr16-2117571-G-A. GRCh37 (hg19) VCF-style: chr16-2167572-G-A.
Other names: c.1303C>T, p.Gln435Ter (NM_000296.4); c.1303C>T (NM_001009944.2); short protein forms Q435*.
Identifiers: ClinVar variation 873334 (VCV000873334.3), dbSNP rs2092660457, ClinGen allele CA394392595.